The following is an entry in ClinVar:

NM_000038.6(APC):c.1710A>C (p.Lys570Asn)

Gene: APC (APC regulator of Wnt signaling pathway; plus strand). Cytogenetic location: 5q22.2.
Variant type: single nucleotide variant.
Coding change: c.1710A>C on transcript NM_000038.6 (MANE Select); coding-DNA position 1710, A replaced by C.
Protein change: p.Lys570Asn; replaces lysine 570 with asparagine.
Molecular consequence: missense variant.
Genome position (GRCh38, 1-based): chr5:112,828,939, A>C. VCF-style: chr5-112828939-A-C. GRCh37 (hg19) VCF-style: chr5-112164636-A-C.
Other names: c.1740A>C, p.Lys580Asn (NM_001354897.2); c.1635A>C, p.Lys545Asn (NM_001354898.2); c.1626A>C, p.Lys542Asn (NM_001354899.2); c.1587A>C, p.Lys529Asn (NM_001354900.2); c.1533A>C, p.Lys511Asn (NM_001354901.2); c.1437A>C, p.Lys479Asn (NM_001354902.2); c.1407A>C, p.Lys469Asn (NM_001354903.2); c.1332A>C, p.Lys444Asn (NM_001354904.2); and 5 more; short protein forms K287N, K410N, K444N, K469N, K479N, K511N, K529N, K542N.
Identifiers: ClinVar variation 1332126 (VCV001332126.11), dbSNP rs1182822563, ClinGen allele CA16025044.

ClinVar aggregate classification (germline): Uncertain significance. Review status: criteria provided, multiple submitters, no conflicts (2 of 4 stars). 3 submissions from 3 submitters: Uncertain significance (3). Last evaluated 2026-01-10.

Conditions:
Hereditary cancer-predisposing syndrome. Also called: Hereditary neoplastic syndrome; Tumor predisposition; Neoplastic Syndromes, Hereditary; Hereditary Cancer Syndrome. Identifiers: Orphanet 140162, MedGen C0027672, MeSH D009386, MONDO:0015356.

Submissions (3):

Ambry Genetics
Classification: Uncertain significance for Hereditary cancer-predisposing syndrome. Last evaluated: 2026-01-10. Review status: criteria provided, single submitter. Criteria: Ambry Variant Classification Scheme 2023. Collection method: clinical testing. Allele origin: germline.
Comment: The p.K570N variant (also known as c.1710A>C), located in coding exon 13 of the APC gene, results from an A to C substitution at nucleotide position 1710. The lysine at codon 570 is replaced by asparagine, an amino acid with similar properties. This amino acid position is conserved. In addition, in silico predictors for this gene do not accurately predict pathogenicity. Based on the available evidence, the clinical significance of this variant remains unclear.

Center for Genomic Medicine, Rigshospitalet, Copenhagen University Hospital
Classification: Uncertain significance. Last evaluated: 2025-03-04. Review status: criteria provided, single submitter. Criteria: ACMG Guidelines, 2015. Collection method: clinical testing. Allele origin: germline.

Color Diagnostics, LLC DBA Color Health
Classification: Uncertain significance for Hereditary cancer-predisposing syndrome. Last evaluated: 2024-03-07. Review status: criteria provided, single submitter. Criteria: ACMG Guidelines, 2015. Collection method: clinical testing. Allele origin: germline.
Comment: This missense variant replaces lysine with asparagine at codon 570 of the APC protein. Computational prediction suggests that this variant may not impact protein structure and function (internally defined REVEL score threshold <= 0.5, PMID: 27666373). To our knowledge, functional studies have not been reported for this variant. This variant has not been reported in individuals affected with hereditary cancer in the literature. This variant has not been identified in the general population by the Genome Aggregation Database (gnomAD). The available evidence is insufficient to determine the role of this variant in disease conclusively. Therefore, this variant is classified as a Variant of Uncertain Significance.